The following is an entry in ClinVar:

NM_000264.5(PTCH1):c.4150C>T (p.Pro1384Ser)

Gene: PTCH1 (patched 1; minus strand). Cytogenetic location: 9q22.32.
Variant type: single nucleotide variant.
Coding change: c.4150C>T on transcript NM_000264.5 (MANE Select); coding-DNA position 4150, C replaced by T.
Protein change: p.Pro1384Ser; replaces proline 1384 with serine.
Molecular consequence: missense variant. On other transcripts: non-coding transcript variant (1).
Genome position (GRCh38, 1-based): chr9:95,447,106, G>A on the plus strand (C>T on the coding strand, the complement: PTCH1 is on the minus strand). VCF-style: chr9-95447106-G-A. GRCh37 (hg19) VCF-style: chr9-98209388-G-A.
Other names: c.3952C>T, p.Pro1318Ser (NM_001083602.3); c.4147C>T, p.Pro1383Ser (NM_001083603.3); c.3697C>T, p.Pro1233Ser (NM_001083604.3, NM_001083605.3, NM_001083606.3 and 1 more transcripts); c.3994C>T, p.Pro1332Ser (NM_001354918.2); short protein forms P1233S, P1318S, P1332S, P1383S, P1384S.
Identifiers: ClinVar variation 4862663 (VCV004862663.1).

ClinVar aggregate classification (germline): Uncertain significance (1 of 4 stars; one submission).

Conditions:
Hereditary cancer-predisposing syndrome. Also called: Neoplastic Syndromes, Hereditary; Tumor predisposition; Hereditary Cancer Syndrome; Hereditary neoplastic syndrome. Identifiers: Orphanet 140162, MedGen C0027672, MeSH D009386, MONDO:0015356.

gnomAD v4.1: 1 of 1,613,600 alleles (0.000062%); highest among the groups gnomAD compares: Non-Finnish European, 0.000085%; no homozygotes.

Submission:

Ambry Genetics
Classification: Uncertain significance for Hereditary cancer-predisposing syndrome. Last evaluated: 2026-04-11. Review status: criteria provided, single submitter. Criteria: Ambry Variant Classification Scheme 2023. Collection method: clinical testing. Allele origin: germline.
Comment: The p.P1384S variant (also known as c.4150C>T), located in coding exon 23 of the PTCH1 gene, results from a C to T substitution at nucleotide position 4150. The proline at codon 1384 is replaced by serine, an amino acid with similar properties. This amino acid position is conserved. In addition, this alteration is predicted to be tolerated by in silico analysis. Based on the available evidence, the clinical significance of this variant remains unclear.